The following is an entry in ClinVar:

NM_000142.5(FGFR3):c.871G>A (p.Val291Met)

Gene: FGFR3 (fibroblast growth factor receptor 3; plus strand). Cytogenetic location: 4p16.3.
Variant type: single nucleotide variant.
Coding change: c.871G>A on transcript NM_000142.5 (MANE Select); coding-DNA position 871, G replaced by A.
Protein change: p.Val291Met; replaces valine 291 with methionine.
Molecular consequence: missense variant. On other transcripts: non-coding transcript variant (1).
Genome position (GRCh38, 1-based): chr4:1,801,966, G>A. VCF-style: chr4-1801966-G-A. GRCh37 (hg19) VCF-style: chr4-1803693-G-A.
Other names: c.871G>A, p.Val291Met (NM_001163213.2, NM_001354809.2, NM_001354810.2 and 1 more transcripts); short protein forms V291M.
Identifiers: ClinVar variation 4744641 (VCV004744641.1).
Genomic context (GRCh38, chr4:1,801,966, plus strand): 5'-GTGGAGTTCCACTGCAAGGTGTACAGTGACGCACAGCCCCACATCCAGTGGCTCAAGCAC[G>A]TGGAGGTGAATGGCAGCAAGGTGGGCCCGGACGGCACACCCTACGTTACCGTGCTCAAGG-3'
Protein context (NP_000133.1, residues 281-301): AQPHIQWLKH[Val291Met]EVNGSKVGPD

ClinVar aggregate classification (germline): Uncertain significance (1 of 4 stars; one submission).

gnomAD v4.1: 5 of 1,612,702 alleles (0.00031%); highest among the groups gnomAD compares: Non-Finnish European, 0.00042%; no homozygotes.

Submission:

Labcorp Genetics (formerly Invitae), Labcorp
Classification: Uncertain significance. Last evaluated: 2025-04-19. Review status: criteria provided, single submitter. Criteria: Invitae Variant Classification Sherloc (09022015). Collection method: clinical testing. Allele origin: germline.
Comment: This sequence change replaces valine, which is neutral and non-polar, with methionine, which is neutral and non-polar, at codon 291 of the FGFR3 protein (p.Val291Met). The frequency data for this variant in the population databases is considered unreliable, as metrics indicate poor data quality at this position in the gnomAD database. This variant has not been reported in the literature in individuals affected with FGFR3-related conditions. Invitae Evidence Modeling of protein sequence and biophysical properties (such as structural, functional, and spatial information, amino acid conservation, physicochemical variation, residue mobility, and thermodynamic stability) indicates that this missense variant is not expected to disrupt FGFR3 protein function with a negative predictive value of 80%. In summary, the available evidence is currently insufficient to determine the role of this variant in disease. Therefore, it has been classified as a Variant of Uncertain Significance.